The following is an entry in ClinVar:

NM_177438.3(DICER1):c.4351A>G (p.Arg1451Gly)

Gene: DICER1 (dicer 1, ribonuclease III; minus strand). Cytogenetic location: 14q32.13.
Variant type: single nucleotide variant.
Coding change: c.4351A>G on transcript NM_177438.3 (MANE Select); coding-DNA position 4351, A replaced by G.
Protein change: p.Arg1451Gly; replaces arginine 1451 with glycine.
Molecular consequence: missense variant. On other transcripts: non-coding transcript variant (6).
Genome position (GRCh38, 1-based): chr14:95,096,569, T>C on the plus strand (A>G on the coding strand, the complement: DICER1 is on the minus strand). VCF-style: chr14-95096569-T-C. GRCh37 (hg19) VCF-style: chr14-95562906-T-C.
Other names: c.4351A>G, p.Arg1451Gly (NM_001195573.1, NM_001271282.3, NM_001291628.2 and 13 more transcripts); c.4069A>G, p.Arg1357Gly (NM_001395686.1); c.3946A>G, p.Arg1316Gly (NM_001395687.1, NM_001395688.1, NM_001395689.1 and 2 more transcripts); c.3784A>G, p.Arg1262Gly (NM_001395691.1); c.2668A>G, p.Arg890Gly (NM_001395697.1); short protein forms R1357G, R1451G, R1262G, R1316G, R890G.
Identifiers: ClinVar variation 2056211 (VCV002056211.5), dbSNP rs2542508100, ClinGen allele CA390869172.

ClinVar aggregate classification (germline): Uncertain significance. Review status: criteria provided, multiple submitters, no conflicts (2 of 4 stars). 2 submissions from 2 submitters: Uncertain significance (2). Last evaluated 2025-09-01.

Conditions:
Hereditary cancer-predisposing syndrome. Also called: Neoplastic Syndromes, Hereditary; Hereditary Cancer Syndrome; Tumor predisposition; Hereditary neoplastic syndrome. Identifiers: Orphanet 140162, MedGen C0027672, MeSH D009386, MONDO:0015356.
DICER1-related tumor predisposition. Also called: DICER1-related pleuropulmonary blastoma cancer predisposition syndrome; DICER1 syndrome. Identifiers: Orphanet 284343, MedGen C3839822, MONDO:0100216.

Submissions (2):

Ambry Genetics
Classification: Uncertain significance for Hereditary cancer-predisposing syndrome. Last evaluated: 2025-09-01. Review status: criteria provided, single submitter. Criteria: Ambry Variant Classification Scheme 2023. Collection method: clinical testing. Allele origin: germline.
Comment: The p.R1451G variant (also known as c.4351A>G), located in coding exon 22 of the DICER1 gene, results from an A to G substitution at nucleotide position 4351. The arginine at codon 1451 is replaced by glycine, an amino acid with dissimilar properties. This amino acid position is conserved. In addition, this alteration is predicted to be tolerated by in silico analysis. Based on the available evidence, the clinical significance of this variant remains unclear.

Labcorp Genetics (formerly Invitae), Labcorp
Classification: Uncertain significance for DICER1-related tumor predisposition. Last evaluated: 2021-12-23. Review status: criteria provided, single submitter. Criteria: Invitae Variant Classification Sherloc (09022015). Collection method: clinical testing. Allele origin: germline.
Comment: This sequence change replaces arginine, which is basic and polar, with glycine, which is neutral and non-polar, at codon 1451 of the DICER1 protein (p.Arg1451Gly). This variant is not present in population databases (gnomAD no frequency). This variant has not been reported in the literature in individuals affected with DICER1-related conditions. Algorithms developed to predict the effect of missense changes on protein structure and function are either unavailable or do not agree on the potential impact of this missense change (SIFT: "Deleterious"; PolyPhen-2: "Benign"; Align-GVGD: "Class C0"). In summary, the available evidence is currently insufficient to determine the role of this variant in disease. Therefore, it has been classified as a Variant of Uncertain Significance.